The following is an entry in ClinVar:

NM_000057.4(BLM):c.3412T>A (p.Ser1138Thr)

Gene: BLM (BLM RecQ like helicase; plus strand). Cytogenetic location: 15q26.1.
Variant type: single nucleotide variant.
Coding change: c.3412T>A on transcript NM_000057.4 (MANE Select); coding-DNA position 3412, T replaced by A.
Protein change: p.Ser1138Thr; replaces serine 1138 with threonine.
Molecular consequence: missense variant. On other transcripts: intron variant (1).
Genome position (GRCh38, 1-based): chr15:90,803,574, T>A. VCF-style: chr15-90803574-T-A. GRCh37 (hg19) VCF-style: chr15-91346804-T-A.
Other names: c.3412T>A, p.Ser1138Thr (NM_001287246.2); c.2287T>A, p.Ser763Thr (NM_001287248.2); c.3358+5237T>A (NM_001287247.2); short protein forms S1138T, S763T.
Identifiers: ClinVar variation 3657514 (VCV003657514.1).
Genomic context (GRCh38, chr15:90,803,574, plus strand): 5'-TTATCAGGGAGTAAGAGTGCAAAAATCCAGTCAGGTATATTTGGAAAAGGATCTGCTTAT[T>A]CACGACACAATGCCGAAAGACTTTTTAAAAAGCTGATACTTGACAAGATTTTGGATGAAG-3'
Protein context (NP_000048.1, residues 1128-1148): SGIFGKGSAY[Ser1138Thr]RHNAERLFKK

ClinVar aggregate classification (germline): Uncertain significance (1 of 4 stars; one submission).

Conditions:
Bloom syndrome (BLM). Also called: Bloom-Torre-Machacek syndrome. Identifiers: Orphanet 125, MedGen C0005859, MONDO:0008876, OMIM 210900.

gnomAD v4.1: 1 of 1,613,992 alleles (0.000062%); highest among the groups gnomAD compares: East Asian, 0.0022%; no homozygotes.

Submission:

Labcorp Genetics (formerly Invitae), Labcorp
Classification: Uncertain significance for Bloom syndrome. Last evaluated: 2024-06-23. Review status: criteria provided, single submitter. Criteria: Invitae Variant Classification Sherloc (09022015). Collection method: clinical testing. Allele origin: germline.
Comment: This sequence change replaces serine, which is neutral and polar, with threonine, which is neutral and polar, at codon 1138 of the BLM protein (p.Ser1138Thr). This variant is not present in population databases (gnomAD no frequency). This variant has not been reported in the literature in individuals affected with BLM-related conditions. Advanced modeling of protein sequence and biophysical properties (such as structural, functional, and spatial information, amino acid conservation, physicochemical variation, residue mobility, and thermodynamic stability) performed at Invitae indicates that this missense variant is not expected to disrupt BLM protein function with a negative predictive value of 80%. In summary, the available evidence is currently insufficient to determine the role of this variant in disease. Therefore, it has been classified as a Variant of Uncertain Significance.